The following is an entry in ClinVar:

NM_005591.4(MRE11):c.1225_1225+1delinsCA

Gene: MRE11 (MRE11 double strand break repair nuclease; minus strand). Cytogenetic location: 11q21.
Variant type: Indel.
Coding change: c.1225_1225+1delinsCA on transcript NM_005591.4 (MANE Select); coding-DNA position 1225 through the canonical splice donor site of the intron after coding-DNA position 1225, GG replaced by CA.
Molecular consequence: splice donor variant.
Genome position (GRCh38, 1-based): chr11:94,464,112-94,464,113, CC replaced by TG on the plus strand (GG replaced by CA on the coding strand, the reverse complement: MRE11 is on the minus strand). VCF-style: chr11-94464112-CC-TG. GRCh37 (hg19) VCF-style: chr11-94197278-CC-TG.
Other names: c.1225_1225+1delinsCA (NM_001330347.2, NM_005590.4).
Identifiers: ClinVar variation 1681591 (VCV001681591.9), dbSNP rs2134999194, ClinGen allele CA2573147776.
Genomic context (GRCh38, chr11:94,464,112, plus strand): 5'-AAAGATTCCTTCACAAATCCTATAAGAACATTTTTTTACCTCATAAAAATAACTAGCTTA[CC>TG]TGTTTTTTCCTTTTGTTCTCTATGCCTGAAAAAATGGATAATGTCTTTTGGATTAGCTAC-3'

ClinVar aggregate classification (germline): Likely pathogenic. Review status: criteria provided, multiple submitters, no conflicts (2 of 4 stars). 2 submissions from 2 submitters: Likely pathogenic (2). Last evaluated 2023-02-21.

Conditions:
Ataxia-telangiectasia-like disorder (ATLD). Identifiers: MedGen C1858391, MONDO:0011457.
Hereditary cancer-predisposing syndrome. Also called: Hereditary neoplastic syndrome; Neoplastic Syndromes, Hereditary; Tumor predisposition; Hereditary Cancer Syndrome. Identifiers: Orphanet 140162, MedGen C0027672, MeSH D009386, MONDO:0015356.

Submissions (2):

Ambry Genetics
Classification: Likely pathogenic for Hereditary cancer-predisposing syndrome. Last evaluated: 2023-02-21. Review status: criteria provided, single submitter. Criteria: Ambry Variant Classification Scheme 2023. Collection method: clinical testing. Allele origin: germline.
Comment: The c.1225_1225+1delGGinsCA variant results from a deletion of 2 nucleotides at positions c.1225 and c.1225+1 and involves the canonical splice donor site after coding exon 10 of the MRE11A gene. The canonical splice donor site is highly conserved in available vertebrate species. Using the BDGP and ESEfinder splice site prediction tools, this alteration is predicted to abolish the native donor splice site; however, direct evidence is unavailable. This variant is considered to be rare based on population cohorts in the Genome Aggregation Database (gnomAD). Alterations that disrupt the canonical splice site are expected to cause aberrant splicing, resulting in an abnormal protein or a transcript that is subject to nonsense-mediated mRNA decay. As such, this alteration is classified as likely pathogenic.

Labcorp Genetics (formerly Invitae), Labcorp
Classification: Likely pathogenic for Ataxia-telangiectasia-like disorder. Last evaluated: 2020-11-15. Review status: criteria provided, single submitter. Criteria: Invitae Variant Classification Sherloc (09022015). Collection method: clinical testing. Allele origin: germline.
Comment: This sequence change affects donor splice site in intron 11 of the MRE11 gene. It is expected to disrupt RNA splicing. Variants that disrupt the donor or acceptor splice site typically lead to a loss of protein function (PMID: 16199547), and loss-of-function variants in MRE11 are known to be pathogenic (PMID: 23080121, 23912341). The frequency data for this variant in the population databases is not available, as this variant may be reported as separate entries in the ExAC database. This variant has not been reported in the literature in individuals with MRE11-related conditions. Algorithms developed to predict the effect of sequence changes on RNA splicing suggest that this variant may disrupt the consensus splice site, but this prediction has not been confirmed by published transcriptional studies. In summary, the currently available evidence indicates that the variant is pathogenic, but additional data are needed to prove that conclusively. Therefore, this variant has been classified as Likely Pathogenic.

Literature cited by the submitters: PubMed 16199547 (cited by Labcorp Genetics (formerly Invitae), Labcorp); PubMed 23080121 (cited by Labcorp Genetics (formerly Invitae), Labcorp); PubMed 23912341 (cited by Labcorp Genetics (formerly Invitae), Labcorp).